The following is an entry in ClinVar:

NM_000632.4(ITGAM):c.1627C>T (p.Pro543Ser)

Gene: ITGAM (integrin subunit alpha M; plus strand). Cytogenetic location: 16p11.2.
Variant type: single nucleotide variant.
Coding change: c.1627C>T on transcript NM_000632.4 (MANE Select); coding-DNA position 1627, C replaced by T.
Protein change: p.Pro543Ser; replaces proline 543 with serine.
Molecular consequence: missense variant.
Genome position (GRCh38, 1-based): chr16:31,297,874, C>T. VCF-style: chr16-31297874-C-T. GRCh37 (hg19) VCF-style: chr16-31309195-C-T.
Other names: c.1630C>T, p.Pro544Ser (NM_001145808.2); short protein forms P544S, P543S.
Identifiers: ClinVar variation 4765094 (VCV004765094.1).
Genomic context (GRCh38, chr16:31,297,874, plus strand): 5'-GCCCTAACAGTGCTGGGGGACGTAAATGGGGACAAGCTGACGGACGTGGCCATTGGGGCC[C>T]CAGGAGAGGAGGACAACCGGGGTGCTGTTTACCTGTTTCACGGAACCTCAGGATCTGGCA-3'
Protein context (NP_000623.2, residues 533-553): DKLTDVAIGA[Pro543Ser]GEEDNRGAVY

ClinVar aggregate classification (germline): Uncertain significance (1 of 4 stars; one submission).

Submission:

Labcorp Genetics (formerly Invitae), Labcorp
Classification: Uncertain significance. Last evaluated: 2025-10-22. Review status: criteria provided, single submitter. Criteria: Invitae Variant Classification Sherloc (09022015). Collection method: clinical testing. Allele origin: germline.
Comment: This sequence change replaces proline, which is neutral and non-polar, with serine, which is neutral and polar, at codon 543 of the ITGAM protein (p.Pro543Ser). This variant is not present in population databases (gnomAD no frequency). This variant has not been reported in the literature in individuals affected with ITGAM-related conditions. An algorithm developed to predict the effect of missense changes on protein structure and function (PolyPhen-2) suggests that this variant is likely to be disruptive. In summary, the available evidence is currently insufficient to determine the role of this variant in disease. Therefore, it has been classified as a Variant of Uncertain Significance.